The following is an entry in ClinVar:

NM_000298.6(PKLR):c.1365C>T (p.Thr455=)

Gene: PKLR (pyruvate kinase L/R; minus strand). Cytogenetic location: 1q22.
Variant type: single nucleotide variant.
Coding change: c.1365C>T on transcript NM_000298.6 (MANE Select); coding-DNA position 1365, C replaced by T.
Protein change: p.Thr455=; no amino-acid change (threonine 455 retained).
Molecular consequence: synonymous variant.
Genome position (GRCh38, 1-based): chr1:155,293,248, G>A on the plus strand (C>T on the coding strand, the complement: PKLR is on the minus strand). VCF-style: chr1-155293248-G-A. GRCh37 (hg19) VCF-style: chr1-155263039-G-A.
Other names: p.Thr455=; c.1365C>T, p.Thr455= (LRG_1136t1); c.1272C>T, p.Thr424= (NM_181871.4).
Identifiers: ClinVar variation 292807 (VCV000292807.13), dbSNP rs146708702, ClinGen allele CA1144026.

ClinVar aggregate classification (germline): Conflicting classifications of pathogenicity. Review status: criteria provided, conflicting classifications (1 of 4 stars). 4 submissions from 4 submitters: Uncertain significance (2); Likely benign (1). 1 of the submissions does not count toward it. Last evaluated 2023-12-27.

Conditions:
PKLR-related disorder. Also called: PKLR-related condition.
Pyruvate kinase deficiency of red cells (CNSHA2). Also called: PK DEFICIENCY; PYRUVATE KINASE DEFICIENCY OF ERYTHROCYTE; Pyruvate kinase deficiency, Amish type. Identifiers: Orphanet 766, MedGen C0340968, MONDO:0009950, OMIM 266200.

Allele frequency attached by ClinVar (database versions not stated): ExAC 0.00006; gnomAD exomes 0.00006 and 0.00018; TOPMed 0.00007; gnomAD 0.00009 and 0.00010; ESP Exome Variant Server 0.00015.
gnomAD v4.1: 271 of 1,614,020 alleles (0.017%); highest among the groups gnomAD compares: Non-Finnish European, 0.021%; no homozygotes.

Submissions (4):

Revvity Omics, Revvity
Classification: Likely benign. Last evaluated: 2023-12-27. Review status: criteria provided, single submitter. Criteria: ACMG Guidelines, 2015. Collection method: clinical testing. Allele origin: germline.

Mayo Clinic Laboratories, Mayo Clinic
Classification: Uncertain significance. Last evaluated: 2021-09-28. Review status: criteria provided, single submitter. Criteria: ACMG Guidelines, 2015. Collection method: clinical testing. Allele origin: germline.

Illumina Laboratory Services, Illumina
Classification: Uncertain significance for Pyruvate kinase deficiency of red cells. Last evaluated: 2018-01-13. Review status: criteria provided, single submitter. Criteria: ICSL Variant Classification Criteria 13 December 2019. Collection method: clinical testing. Allele origin: germline.

PreventionGenetics, part of Exact Sciences
Classification: Likely benign for PKLR-related condition. Last evaluated: 2020-02-20. Review status: no assertion criteria provided. Collection method: clinical testing. Allele origin: germline. Not counted in ClinVar's aggregate classification.
Comment: This variant is classified as likely benign based on ACMG/AMP sequence variant interpretation guidelines (Richards et al. 2015 PMID: 25741868, with internal and published modifications).